The following is an entry in ClinVar:

ClinVar aggregate classification (germline): Pathogenic (1 of 4 stars; one submission).

Submission:

GeneDx
Classification: Pathogenic. Last evaluated: 2018-11-05. Review status: criteria provided, single submitter. Criteria: GeneDx Variant Classification (06012015). Collection method: clinical testing. Allele origin: germline. Affected: yes.
Comment: The c.6325delA variant has not been published as a pathogenic variant, nor has it been reported as a benign variant to our knowledge. The variant is not observed in large population cohorts (Lek et al., 2016). It causes a frameshift starting with codon Isoleucine 2109, changes this amino acid to a Phenylalanine residue and creates a premature Stop codon at position 20 of the new reading frame, denoted p.Ile2109PhefsX20. This variant is predicted to cause loss of normal protein function either through protein truncation or nonsense-mediated mRNA decay. We consider this variant to be pathogenic.

NM_001042492.3(NF1):c.6388del (p.Ile2130fs)

Gene: NF1 (neurofibromin 1; plus strand). Cytogenetic location: 17q11.2.
Variant type: Deletion.
Coding change: c.6388del on transcript NM_001042492.3 (MANE Select); coding-DNA position 6388, one base deleted (A; older notation c.6388delA).
Protein change: p.Ile2130fs; shifts the reading frame from isoleucine 2130.
Molecular consequence: frameshift variant.
Genome position (GRCh38, 1-based): chr17:31,336,875, A deleted. VCF-style (leftmost placement, unchanged base first): chr17-31336874-CA-C. GRCh37 (hg19) VCF-style: chr17-29663892-CA-C.
Other names: c.6325delA, p.Ile2109Phefs (NM_000267.4); c.6325delA (NM_000267.3); short protein forms I2130fs, I2109fs.
Identifiers: ClinVar variation 817894 (VCV000817894.1), dbSNP rs1597843169, ClinGen allele CA915949926.